The following is an entry in ClinVar:

ClinVar aggregate classification (germline): Uncertain significance (1 of 4 stars; one submission).

Conditions:
Early-infantile DEE. Also called: Early infantile epileptic encephalopathy with suppression bursts; Early infantile epileptic encephalopathy; Ohtahara syndrome. Identifiers: Orphanet 1934, MedGen C0393706, MONDO:0800491.

Submission:

Labcorp Genetics (formerly Invitae), Labcorp
Classification: Uncertain significance for Early-infantile DEE. Last evaluated: 2022-08-08. Review status: criteria provided, single submitter. Criteria: Invitae Variant Classification Sherloc (09022015). Collection method: clinical testing. Allele origin: germline.
Comment: In summary, the available evidence is currently insufficient to determine the role of this variant in disease. Therefore, it has been classified as a Variant of Uncertain Significance. Algorithms developed to predict the effect of missense changes on protein structure and function are either unavailable or do not agree on the potential impact of this missense change (SIFT: "Deleterious"; PolyPhen-2: "Benign"; Align-GVGD: "Class C0"). This variant has not been reported in the literature in individuals affected with SPTAN1-related conditions. This variant is not present in population databases (gnomAD no frequency). This sequence change replaces glutamic acid, which is acidic and polar, with aspartic acid, which is acidic and polar, at codon 1071 of the SPTAN1 protein (p.Glu1071Asp).

NM_001130438.3(SPTAN1):c.3213A>C (p.Glu1071Asp)

Gene: SPTAN1 (spectrin alpha, non-erythrocytic 1; plus strand). Cytogenetic location: 9q34.11.
Variant type: single nucleotide variant.
Coding change: c.3213A>C on transcript NM_001130438.3 (MANE Select); coding-DNA position 3213, A replaced by C.
Protein change: p.Glu1071Asp; replaces glutamic acid 1071 with aspartic acid.
Molecular consequence: missense variant. On other transcripts: intron variant (3).
Genome position (GRCh38, 1-based): chr9:128,593,040, A>C. VCF-style: chr9-128593040-A-C. GRCh37 (hg19) VCF-style: chr9-131355319-A-C.
Other names: c.3213A>C, p.Glu1071Asp (NM_001363759.2, NM_001375310.1, NM_001375311.2 and 2 more transcripts); c.3249A>C, p.Glu1083Asp (NM_001375312.2, NM_001375318.1); c.3156-1135A>C (NM_001375314.2, NM_001363765.2, NM_001195532.2); short protein forms E1071D, E1083D.
Identifiers: ClinVar variation 1715717 (VCV001715717.5), dbSNP rs2541427038, ClinGen allele CA375061473.